The following is an entry in ClinVar:

ClinVar aggregate classification (germline): Uncertain significance (1 of 4 stars; one submission).

Conditions:
Nephronophthisis. Also called: Juvenile Nephronophthisis. Identifiers: Orphanet 655, MedGen C0687120, MONDO:0019005, HP:0000090.

gnomAD v4.1: 2 of 1,613,918 alleles (0.00012%); highest among the groups gnomAD compares: Non-Finnish European, 0.00017%; no homozygotes.

Submission:

Labcorp Genetics (formerly Invitae), Labcorp
Classification: Uncertain significance for Nephronophthisis. Last evaluated: 2018-09-20. Review status: criteria provided, single submitter. Criteria: Invitae Variant Classification Sherloc (09022015). Collection method: clinical testing. Allele origin: germline.
Comment: In summary, the available evidence is currently insufficient to determine the role of this variant in disease. Therefore, it has been classified as a Variant of Uncertain Significance. Algorithms developed to predict the effect of missense changes on protein structure and function are either unavailable or do not agree on the potential impact of this missense change (SIFT: "Deleterious"; PolyPhen-2: "Probably Damaging"; Align-GVGD: "Class C0"). This variant has not been reported in the literature in individuals with NPHP3-related disease. This variant is not present in population databases (ExAC no frequency). This sequence change replaces arginine with proline at codon 1125 of the NPHP3 protein (p.Arg1125Pro). The arginine residue is highly conserved and there is a moderate physicochemical difference between arginine and proline.

NM_153240.5(NPHP3):c.3374G>C (p.Arg1125Pro)

Genes: NPHP3 (nephrocystin 3; minus strand), NPHP3-ACAD11 (NPHP3-ACAD11 readthrough (NMD candidate); minus strand). Cytogenetic location: 3q22.1.
Variant type: single nucleotide variant.
Coding change: c.3374G>C on transcript NM_153240.5 (MANE Select); coding-DNA position 3374, G replaced by C.
Protein change: p.Arg1125Pro; replaces arginine 1125 with proline.
Molecular consequence: missense variant. On other transcripts: non-coding transcript variant (1).
Genome position (GRCh38, 1-based): chr3:132,684,750, C>G on the plus strand (G>C on the coding strand, the complement: NPHP3 is on the minus strand). VCF-style: chr3-132684750-C-G. GRCh37 (hg19) VCF-style: chr3-132403594-C-G.
Other names: short protein forms R1125P.
Identifiers: ClinVar variation 642517 (VCV000642517.8), dbSNP rs767752387, ClinGen allele CA354579147.